The following is an entry in ClinVar:

NM_015346.4(ZFYVE26):c.7318G>A (p.Gly2440Arg)

Gene: ZFYVE26 (zinc finger FYVE-type containing 26; minus strand). Cytogenetic location: 14q24.1.
Variant type: single nucleotide variant.
Coding change: c.7318G>A on transcript NM_015346.4 (MANE Select); coding-DNA position 7318, G replaced by A.
Protein change: p.Gly2440Arg; replaces glycine 2440 with arginine.
Molecular consequence: missense variant.
Genome position (GRCh38, 1-based): chr14:67,752,397, C>T on the plus strand (G>A on the coding strand, the complement: ZFYVE26 is on the minus strand). VCF-style: chr14-67752397-C-T. GRCh37 (hg19) VCF-style: chr14-68219114-C-T.
Other names: short protein forms G2440R.
Identifiers: ClinVar variation 661071 (VCV000661071.9), dbSNP rs573535673, ClinGen allele CA7239007.

ClinVar aggregate classification (germline): Uncertain significance. Review status: criteria provided, multiple submitters, no conflicts (2 of 4 stars). 4 submissions from 4 submitters: Uncertain significance (4). Last evaluated 2025-07-02.

Conditions:
Inborn genetic diseases. Identifiers: MedGen C0950123, MeSH D030342.
Spastic paraplegia. Identifiers: MedGen C0037772, HP:0001258.

Allele frequency attached by ClinVar (database versions not stated): gnomAD 0.00001; gnomAD exomes 0.00001 and 0.00002; TOPMed 0.00002; ExAC 0.00004; 1000 Genomes Project 30x 0.00016; 1000 Genomes Project 0.00020.
gnomAD v4.1: 22 of 1,612,876 alleles (0.0014%); highest among the groups gnomAD compares: East Asian, 0.02%; no homozygotes.

Submissions (4):

GeneDx
Classification: Uncertain significance. Last evaluated: 2025-07-02. Review status: criteria provided, single submitter. Criteria: GeneDx Variant Classification Process June 2021. Collection method: clinical testing. Allele origin: germline. Affected: yes.
Comment: In silico analysis suggests that this missense variant does not alter protein structure/function; Has not been previously published as pathogenic or benign to our knowledge

Ambry Genetics
Classification: Uncertain significance for Inborn genetic diseases. Last evaluated: 2024-08-19. Review status: criteria provided, single submitter. Criteria: Ambry Variant Classification Scheme 2023. Collection method: clinical testing. Allele origin: germline.

Labcorp Genetics (formerly Invitae), Labcorp
Classification: Uncertain significance for Spastic paraplegia. Last evaluated: 2021-09-01. Review status: criteria provided, single submitter. Criteria: Invitae Variant Classification Sherloc (09022015). Collection method: clinical testing. Allele origin: germline.
Comment: This sequence change replaces glycine with arginine at codon 2440 of the ZFYVE26 protein (p.Gly2440Arg). The glycine residue is moderately conserved and there is a moderate physicochemical difference between glycine and arginine. This variant is present in population databases (rs573535673, ExAC 0.05%). This variant has not been reported in the literature in individuals affected with ZFYVE26-related conditions. Algorithms developed to predict the effect of missense changes on protein structure and function output the following: SIFT: "Tolerated"; PolyPhen-2: "Benign"; Align-GVGD: "Class C0". The arginine amino acid residue is found in multiple mammalian species, which suggests that this missense change does not adversely affect protein function. In summary, the available evidence is currently insufficient to determine the role of this variant in disease. Therefore, it has been classified as a Variant of Uncertain Significance.

Mayo Clinic Laboratories, Mayo Clinic
Classification: Uncertain significance. Last evaluated: 2020-02-13. Review status: criteria provided, single submitter. Criteria: ACMG Guidelines, 2015. Collection method: clinical testing. Allele origin: germline. Observed: 1 variant allele.